The following is an entry in ClinVar:

ClinVar aggregate classification (germline): Uncertain significance (1 of 4 stars; one submission).

gnomAD v4.1: 2 of 1,612,132 alleles (0.00012%); no homozygotes.

Submission:

Labcorp Genetics (formerly Invitae), Labcorp
Classification: Uncertain significance. Last evaluated: 2024-04-16. Review status: criteria provided, single submitter. Criteria: Invitae Variant Classification Sherloc (09022015). Collection method: clinical testing. Allele origin: germline.
Comment: This sequence change replaces methionine, which is neutral and non-polar, with threonine, which is neutral and polar, at codon 803 of the CTR9 protein (p.Met803Thr). This variant is present in population databases (no rsID available, gnomAD 0.006%). This variant has not been reported in the literature in individuals affected with CTR9-related conditions. ClinVar contains an entry for this variant (Variation ID: 2192314). An algorithm developed to predict the effect of missense changes on protein structure and function (PolyPhen-2) suggests that this variant is likely to be tolerated. In summary, the available evidence is currently insufficient to determine the role of this variant in disease. Therefore, it has been classified as a Variant of Uncertain Significance.

NM_014633.5(CTR9):c.2408T>C (p.Met803Thr)

Gene: CTR9 (CTR9 component of Paf1/RNA polymerase II complex; plus strand). Cytogenetic location: 11p15.4.
Variant type: single nucleotide variant.
Coding change: c.2408T>C on transcript NM_014633.5 (MANE Select); coding-DNA position 2408, T replaced by C.
Protein change: p.Met803Thr; replaces methionine 803 with threonine.
Molecular consequence: missense variant. On other transcripts: intron variant (1).
Genome position (GRCh38, 1-based): chr11:10,771,580, T>C. VCF-style: chr11-10771580-T-C. GRCh37 (hg19) VCF-style: chr11-10793127-T-C.
Other names: c.2373-940T>C (NM_001346279.2); short protein forms M803T.
Identifiers: ClinVar variation 2192314 (VCV002192314.4), dbSNP rs1419673638, ClinGen allele CA379675582.